The following is an entry in ClinVar:

ClinVar aggregate classification (germline): Uncertain significance. Review status: criteria provided, multiple submitters, no conflicts (2 of 4 stars). 2 submissions from 2 submitters: Uncertain significance (2). Last evaluated 2024-08-05.

gnomAD v4.1: 2 of 1,550,614 alleles (0.00013%); highest among the groups gnomAD compares: Admixed American, 0.0039%; no homozygotes.

Submissions (2):

Labcorp Genetics (formerly Invitae), Labcorp
Classification: Uncertain significance. Last evaluated: 2024-08-05. Review status: criteria provided, single submitter. Criteria: Invitae Variant Classification Sherloc (09022015). Collection method: clinical testing. Allele origin: germline.
Comment: This sequence change replaces glycine, which is neutral and non-polar, with valine, which is neutral and non-polar, at codon 510 of the PDZD7 protein (p.Gly510Val). This variant is present in population databases (no rsID available, gnomAD 0.004%). This variant has not been reported in the literature in individuals affected with PDZD7-related conditions. ClinVar contains an entry for this variant (Variation ID: 1307136). Experimental studies and prediction algorithms are not available or were not evaluated, and the functional significance of this variant is currently unknown. In summary, the available evidence is currently insufficient to determine the role of this variant in disease. Therefore, it has been classified as a Variant of Uncertain Significance.

GeneDx
Classification: Uncertain significance. Last evaluated: 2023-06-05. Review status: criteria provided, single submitter. Criteria: GeneDx Variant Classification Process June 2021. Collection method: clinical testing. Allele origin: germline. Affected: yes.
Comment: Not observed at significant frequency in large population cohorts (gnomAD); In silico analysis supports that this missense variant does not alter protein structure/function; Has not been previously published as pathogenic or benign to our knowledge

NM_001195263.2(PDZD7):c.1529G>T (p.Gly510Val)

Gene: PDZD7 (PDZ domain containing 7; minus strand). Cytogenetic location: 10q24.31.
Variant type: single nucleotide variant.
Coding change: c.1529G>T on transcript NM_001195263.2 (MANE Select); coding-DNA position 1529, G replaced by T.
Protein change: p.Gly510Val; replaces glycine 510 with valine.
Molecular consequence: missense variant.
Genome position (GRCh38, 1-based): chr10:101,016,421, C>A on the plus strand (G>T on the coding strand, the complement: PDZD7 is on the minus strand). VCF-style: chr10-101016421-C-A. GRCh37 (hg19) VCF-style: chr10-102776178-C-A.
Other names: short protein forms G510V.
Identifiers: ClinVar variation 1307136 (VCV001307136.10), dbSNP rs564604670, ClinGen allele CA378227324.